The following is an entry in ClinVar:

ClinVar aggregate classification (germline): Pathogenic (1 of 4 stars; one submission).

Conditions:
Dominant beta-thalassemia. Also called: Beta-thalassemia, dominant inclusion body type. Identifiers: Orphanet 231226, Orphanet 848, MedGen C1858990, MONDO:0011381, OMIM 603902.

Submission:

Victorian Clinical Genetics Services, Murdoch Childrens Research Institute
Classification: Pathogenic for Dominant beta-thalassemia. Last evaluated: 2025-01-14. Review status: criteria provided, single submitter. Criteria: ACMG Guidelines, 2015. Collection method: clinical testing. Allele origin: germline. Affected: yes.
Comment: This variant is classified as Pathogenic. Evidence in support of pathogenic classification: Variant is predicted to result in an elongated protein; Variant is absent from gnomAD (v2, v3 and v4); This variant has limited previous evidence of pathogenicity in an unrelated individual(s). This variant has been reported in a heterozygous state in a father and child with microcytic anaemia (PMID: 18728358); Other protein extension variant(s) comparable to the one identified in this case have very strong previous evidence for pathogenicity (ClinVar, PMIDs: 26635043, 2167124, 31106603, 22992010). Additional information: This variant is heterozygous; This gene is associated with both recessive and dominant disease (OMIM); No published functional evidence has been identified for this variant; Variant affects the annotated Globin domain (DECIPHER); Loss of function is a known mechanism of disease in this gene and is associated with HBB-related haemoglobinopathies, including beta thalassaemia (OMIM). Dominant negative is also a suggested mechanism (PMID: 29700171); Variants in this gene are known to have variable expressivity. Variable severity has been reported in sickle cell patients carrying the same variants (PMID: 31788855). In addition, clinical severity of beta-thalassaemia patients is also dependent on whether variants in HBB are heterozygous, homozygous or compound heterozygous, and the amount of residual protein that is expressed (PMID: 20301599); Inheritance information for this variant is not currently available in this individual.

Literature cited by the submitters: PubMed 2167124; PubMed 20301599; PubMed 18728358; PubMed 22992010; PubMed 31106603; PubMed 31788855; PubMed 26635043; PubMed 29700171.

NM_000518.5(HBB):c.346del (p.Ala116fs)

Genes: HBB (hemoglobin subunit beta; minus strand), LOC110006319 (beta-globin gene 3' regulatory region; plus strand), LOC107133510 (origin of replication at HBB; plus strand). Cytogenetic location: 11p15.4.
Variant type: Deletion.
Coding change: c.346del on transcript NM_000518.5 (MANE Select); coding-DNA position 346, one base deleted (G; older notation c.346delG).
Protein change: p.Ala116fs; shifts the reading frame from alanine 116.
Molecular consequence: frameshift variant.
Genome position (GRCh38, 1-based): chr11:5,225,696, C deleted on the plus strand (G on the coding strand, the reverse complement: HBB is on the minus strand); the first of 2 consecutive C bases (chr11:5,225,696-5,225,697); deleting either gives the same sequence. VCF-style (leftmost placement, unchanged base first): chr11-5225695-GC-G. GRCh37 (hg19) VCF-style: chr11-5246925-GC-G.
Other names: short protein forms A116fs.
Identifiers: ClinVar variation 4531951 (VCV004531951.1).